The following is an entry in ClinVar:

NM_000059.4(BRCA2):c.7008-1388_7008-1387insTA

Gene: BRCA2 (BRCA2 DNA repair associated; plus strand). Cytogenetic location: 13q13.1.
Variant type: Insertion.
Coding change: c.7008-1388_7008-1387insTA on transcript NM_000059.4 (MANE Select); 1388 bases into the intron before coding-DNA position 7008 through 1387 bases into the intron before coding-DNA position 7008, TA inserted.
Molecular consequence: intron variant.
Genome position: GRCh38 VCF-style: chr13-32353473-G-GTA. GRCh37 (hg19) VCF-style: chr13-32927610-G-GTA.
Identifiers: ClinVar variation 264904 (VCV000264904.1), dbSNP rs372403616, ClinGen allele CA10588118.
Genomic context (GRCh38, chr13:32,353,473, plus strand): 5'-TATGTCATTTCTTTACTCAGAACTATTCCGTGGTGTGCCATCTCAGAGTAGAGACTAAAA[G>GTA]CCCTTGTCATGGTGTACAGATTCTTCATGATCTGGCTGCTTTGCTATTTTTCCAGTCTGA-3'

ClinVar aggregate classification (germline): Benign (3 of 4 stars; one submission).

Conditions:
Breast-ovarian cancer, familial, susceptibility to, 2 (BROVCA2). Also called: BRCA2 Hereditary Breast and Ovarian Cancer. Identifiers: Orphanet 145, MedGen C2675520, MONDO:0012933, OMIM 612555. Disease mechanism: loss of function.

Allele frequency attached by ClinVar (database versions not stated): 1000 Genomes Project 0.24181.

Submission:

Evidence-based Network for the Interpretation of Germline Mutant Alleles (ENIGMA)
Classification: Benign for Breast-ovarian cancer, familial, susceptibility to, 2. Last evaluated: 2016-09-28. Review status: reviewed by expert panel. Criteria: ENIGMA BRCA1/2 Classification Criteria (2015). Collection method: curation. Allele origin: germline.
Comment: Class 1 not pathogenic based on frequency >1% in an outbred sampleset. Frequency 0.2097 (European), 0.2413 (African), 0.2003 (Admixed American/Latino), 0.3681 (East Asian), 0.1748 (South Asian), derived from 1000 genomes (2013-05-02).